The following is an entry in ClinVar:

NM_032119.4(ADGRV1):c.15188T>C (p.Leu5063Pro)

Gene: ADGRV1 (adhesion G protein-coupled receptor V1; plus strand). Cytogenetic location: 5q14.3.
Variant type: single nucleotide variant.
Coding change: c.15188T>C on transcript NM_032119.4 (MANE Select); coding-DNA position 15188, T replaced by C.
Protein change: p.Leu5063Pro; replaces leucine 5063 with proline.
Molecular consequence: missense variant. On other transcripts: non-coding transcript variant (1).
Genome position (GRCh38, 1-based): chr5:90,810,448, T>C. VCF-style: chr5-90810448-T-C. GRCh37 (hg19) VCF-style: chr5-90106265-T-C.
Other names: short protein forms L5063P.
Identifiers: ClinVar variation 1431636 (VCV001431636.6), dbSNP rs2150226813, ClinGen allele CA360408206.
Genomic context (GRCh38, chr5:90,810,448, plus strand): 5'-AGACCACTGCAGGAAGCGCCAAGCCACTGGAAGATTTTGAGCCTGTTCAGAATGGGGAAC[T>C]GTTTTTTCAAAAATTCCAAACTGAGGTTGATTTTGAAATAACCATTATTAATGATCAGCT-3'
Protein context (NP_115495.3, residues 5053-5073): EDFEPVQNGE[Leu5063Pro]FFQKFQTEVD

ClinVar aggregate classification (germline): Pathogenic (1 of 4 stars; one submission).

gnomAD v4.1: 5 of 1,613,940 alleles (0.00031%); highest among the groups gnomAD compares: Non-Finnish European, 0.00042%; no homozygotes.

Submission:

Labcorp Genetics (formerly Invitae), Labcorp
Classification: Pathogenic. Last evaluated: 2024-02-23. Review status: criteria provided, single submitter. Criteria: Invitae Variant Classification Sherloc (09022015). Collection method: clinical testing. Allele origin: germline.
Comment: This sequence change replaces leucine, which is neutral and non-polar, with proline, which is neutral and non-polar, at codon 5063 of the ADGRV1 protein (p.Leu5063Pro). This variant is not present in population databases (gnomAD no frequency). This missense change has been observed in individual(s) with ADGRV1-related conditions (PMID: 28559085; Invitae). In at least one individual the data is consistent with being in trans (on the opposite chromosome) from a pathogenic variant. ClinVar contains an entry for this variant (Variation ID: 1431636). Advanced modeling of protein sequence and biophysical properties (such as structural, functional, and spatial information, amino acid conservation, physicochemical variation, residue mobility, and thermodynamic stability) has been performed at Invitae for this missense variant, however the output from this modeling did not meet the statistical confidence thresholds required to predict the impact of this variant on ADGRV1 protein function. For these reasons, this variant has been classified as Pathogenic.

Literature cited by the submitters: PubMed 28559085.